The following is an entry in ClinVar:

NM_000760.4(CSF3R):c.2257G>A (p.Gly753Arg)

Gene: CSF3R (colony stimulating factor 3 receptor; minus strand). Cytogenetic location: 1p34.3.
Variant type: single nucleotide variant.
Coding change: c.2257G>A on transcript NM_000760.4 (MANE Select); coding-DNA position 2257, G replaced by A.
Protein change: p.Gly753Arg; replaces glycine 753 with arginine.
Molecular consequence: missense variant. On other transcripts: intron variant (1).
Genome position (GRCh38, 1-based): chr1:36,466,611, C>T on the plus strand (G>A on the coding strand, the complement: CSF3R is on the minus strand). VCF-style: chr1-36466611-C-T. GRCh37 (hg19) VCF-style: chr1-36932212-C-T.
Other names: c.2338G>A, p.Gly780Arg (NM_156039.3); c.2247+10G>A (NM_172313.3); short protein forms G753R, G780R.
Identifiers: ClinVar variation 965749 (VCV000965749.9), dbSNP rs1375728977, ClinGen allele CA339413451.

ClinVar aggregate classification (germline): Uncertain significance. Review status: criteria provided, multiple submitters, no conflicts (2 of 4 stars). 2 submissions from 2 submitters: Uncertain significance (2). Last evaluated 2026-06-04.

Conditions:
Autosomal recessive severe congenital neutropenia due to CSF3R deficiency. Also called: Neutropenia, severe congenital, 7, autosomal recessive. Identifiers: Orphanet 420702, MedGen C4310764, MONDO:0014865, OMIM 617014.
Inborn genetic diseases. Identifiers: MedGen C0950123, MeSH D030342.

Allele frequency attached by ClinVar (database versions not stated): gnomAD exomes 0.00001; TOPMed 0.00001; gnomAD 0.00002 and 0.00001.
gnomAD v4.1: 18 of 1,613,582 alleles (0.0011%); highest among the groups gnomAD compares: Admixed American, 0.0017%; no homozygotes.

Submissions (2):

Ambry Genetics
Classification: Uncertain significance for Inborn genetic diseases. Last evaluated: 2026-06-04. Review status: criteria provided, single submitter. Criteria: Ambry Variant Classification Scheme 2023. Collection method: clinical testing. Allele origin: germline.

Labcorp Genetics (formerly Invitae), Labcorp
Classification: Uncertain significance for Autosomal recessive severe congenital neutropenia due to CSF3R deficiency. Last evaluated: 2025-09-23. Review status: criteria provided, single submitter. Criteria: Invitae Variant Classification Sherloc (09022015). Collection method: clinical testing. Allele origin: germline.
Comment: This sequence change replaces glycine, which is neutral and non-polar, with arginine, which is basic and polar, at codon 753 of the CSF3R protein (p.Gly753Arg). This variant is present in population databases (no rsID available, gnomAD 0.003%). This variant has not been reported in the literature in individuals affected with CSF3R-related conditions. ClinVar contains an entry for this variant (Variation ID: 965749). Invitae Evidence Modeling of protein sequence and biophysical properties (such as structural, functional, and spatial information, amino acid conservation, physicochemical variation, residue mobility, and thermodynamic stability) indicates that this missense variant is expected to disrupt CSF3R protein function with a positive predictive value of 80%. In summary, the available evidence is currently insufficient to determine the role of this variant in disease. Therefore, it has been classified as a Variant of Uncertain Significance.